The following is an entry in ClinVar:

ClinVar aggregate classification (germline): Uncertain significance (1 of 4 stars; one submission).

Allele frequency attached by ClinVar (database versions not stated): gnomAD exomes below 0.00001 and 0.00001; TOPMed below 0.00001; gnomAD 0.00001; ExAC 0.00002.
gnomAD v4.1: 7 of 1,614,006 alleles (0.00043%); highest among the groups gnomAD compares: East Asian, 0.0022%; no homozygotes.

Submission:

Labcorp Genetics (formerly Invitae), Labcorp
Classification: Uncertain significance. Last evaluated: 2025-10-29. Review status: criteria provided, single submitter. Criteria: Invitae Variant Classification Sherloc (09022015). Collection method: clinical testing. Allele origin: germline.
Comment: This sequence change replaces arginine, which is basic and polar, with glutamine, which is neutral and polar, at codon 103 of the CLCN6 protein (p.Arg103Gln). This variant is present in population databases (rs762928853, gnomAD 0.005%). This variant has not been reported in the literature in individuals affected with CLCN6-related conditions. ClinVar contains an entry for this variant (Variation ID: 1368688). An algorithm developed to predict the effect of missense changes on protein structure and function (PolyPhen-2) suggests that this variant is likely to be tolerated. In summary, the available evidence is currently insufficient to determine the role of this variant in disease. Therefore, it has been classified as a Variant of Uncertain Significance.

NM_001286.5(CLCN6):c.308G>A (p.Arg103Gln)

Gene: CLCN6 (chloride voltage-gated channel 6; plus strand). Cytogenetic location: 1p36.22.
Variant type: single nucleotide variant.
Coding change: c.308G>A on transcript NM_001286.5 (MANE Select); coding-DNA position 308, G replaced by A.
Protein change: p.Arg103Gln; replaces arginine 103 with glutamine.
Molecular consequence: missense variant. On other transcripts: non-coding transcript variant (1).
Genome position (GRCh38, 1-based): chr1:11,819,516, G>A. VCF-style: chr1-11819516-G-A. GRCh37 (hg19) VCF-style: chr1-11879573-G-A.
Other names: c.242G>A, p.Arg81Gln (NM_001256959.2); short protein forms R103Q, R81Q.
Identifiers: ClinVar variation 1368688 (VCV001368688.6), dbSNP rs762928853, ClinGen allele CA595994.